The following is an entry in ClinVar:

NM_000330.4(RS1):c.16G>A (p.Glu6Lys)

Gene: RS1 (retinoschisin 1; minus strand). Cytogenetic location: Xp22.13.
Variant type: single nucleotide variant.
Coding change: c.16G>A on transcript NM_000330.4 (MANE Select); coding-DNA position 16, G replaced by A.
Protein change: p.Glu6Lys; replaces glutamic acid 6 with lysine.
Molecular consequence: missense variant.
Genome position (GRCh38, 1-based): chrX:18,672,053, C>T on the plus strand (G>A on the coding strand, the complement: RS1 is on the minus strand). VCF-style: chrX-18672053-C-T. GRCh37 (hg19) VCF-style: chrX-18690173-C-T.
Other names: short protein forms E6K.
Identifiers: ClinVar variation 1056509 (VCV001056509.9), dbSNP rs2147209806, ClinGen allele CA412379200.

ClinVar aggregate classification (germline): Uncertain significance (1 of 4 stars; one submission).

gnomAD v4.1: 1 of 1,210,867 alleles (0.000083%); no homozygotes.

Submission:

Labcorp Genetics (formerly Invitae), Labcorp
Classification: Uncertain significance. Last evaluated: 2023-04-07. Review status: criteria provided, single submitter. Criteria: Invitae Variant Classification Sherloc (09022015). Collection method: clinical testing. Allele origin: germline.
Comment: This variant has not been reported in the literature in individuals affected with RS1-related conditions. This variant is not present in population databases (gnomAD no frequency). This sequence change replaces glutamic acid, which is acidic and polar, with lysine, which is basic and polar, at codon 6 of the RS1 protein (p.Glu6Lys). ClinVar contains an entry for this variant (Variation ID: 1056509). In summary, the available evidence is currently insufficient to determine the role of this variant in disease. Therefore, it has been classified as a Variant of Uncertain Significance. Advanced modeling of protein sequence and biophysical properties (such as structural, functional, and spatial information, amino acid conservation, physicochemical variation, residue mobility, and thermodynamic stability) performed at Invitae indicates that this missense variant is not expected to disrupt RS1 protein function.